The following is an entry in ClinVar:

NM_001386094.1(AGBL1):c.2926G>C (p.Glu976Gln)

Gene: AGBL1 (AGBL carboxypeptidase 1; plus strand). Cytogenetic location: 15q25.3.
Variant type: single nucleotide variant.
Coding change: c.2926G>C on transcript NM_001386094.1 (MANE Select); coding-DNA position 2926, G replaced by C.
Protein change: p.Glu976Gln; replaces glutamic acid 976 with glutamine.
Molecular consequence: missense variant.
Genome position (GRCh38, 1-based): chr15:86,554,469, G>C. VCF-style: chr15-86554469-G-C. GRCh37 (hg19) VCF-style: chr15-87097700-G-C.
Other names: c.2926G>C, p.Glu976Gln (NM_152336.4); short protein forms E976Q.
Identifiers: ClinVar variation 3048642 (VCV003048642.2), dbSNP rs147523021, ClinGen allele CA7716281.

ClinVar aggregate classification (germline): Likely benign (0 of 4 stars; one submission).

Conditions:
AGBL1-related disorder. Also called: AGBL1-related condition.

Allele frequency attached by ClinVar (database versions not stated): TOPMed 0.00024; ESP Exome Variant Server 0.00025; gnomAD 0.00025; 1000 Genomes Project 30x 0.00031; gnomAD exomes 0.00038; 1000 Genomes Project 0.00040; ExAC 0.00052.
gnomAD v4.1: 575 of 1,587,304 alleles (0.036%); highest among the groups gnomAD compares: South Asian, 0.062%; 1 homozygote.

Submission:

PreventionGenetics, part of Exact Sciences
Classification: Likely benign for AGBL1-related condition. Last evaluated: 2023-06-01. Review status: no assertion criteria provided. Collection method: clinical testing. Allele origin: germline.
Comment: This variant is classified as likely benign based on ACMG/AMP sequence variant interpretation guidelines (Richards et al. 2015 PMID: 25741868, with internal and published modifications).